The following is an entry in ClinVar:

ClinVar aggregate classification (germline): Uncertain significance (1 of 4 stars; one submission).

Conditions:
Achondrogenesis, type IA (ACG1A). Identifiers: Orphanet 932, Orphanet 93299, MedGen C0265273, MONDO:0008701, OMIM 200600.

Allele frequency attached by ClinVar (database versions not stated): gnomAD exomes below 0.00001; gnomAD 0.00001; TOPMed 0.00001.
gnomAD v4.1: 3 of 1,613,940 alleles (0.00019%); highest among the groups gnomAD compares: Admixed American, 0.0017%; no homozygotes.

Submission:

Labcorp Genetics (formerly Invitae), Labcorp
Classification: Uncertain significance for Achondrogenesis, type IA. Last evaluated: 2022-04-02. Review status: criteria provided, single submitter. Criteria: Invitae Variant Classification Sherloc (09022015). Collection method: clinical testing. Allele origin: germline.
Comment: This sequence change replaces aspartic acid, which is acidic and polar, with histidine, which is basic and polar, at codon 889 of the TRIP11 protein (p.Asp889His). In summary, the available evidence is currently insufficient to determine the role of this variant in disease. Therefore, it has been classified as a Variant of Uncertain Significance. Algorithms developed to predict the effect of missense changes on protein structure and function are either unavailable or do not agree on the potential impact of this missense change (SIFT: "Not Available"; PolyPhen-2: "Probably Damaging"; Align-GVGD: "Not Available"). This variant has not been reported in the literature in individuals affected with TRIP11-related conditions. This variant is present in population databases (no rsID available, gnomAD 0.01%).

NM_004239.4(TRIP11):c.2665G>C (p.Asp889His)

Gene: TRIP11 (thyroid hormone receptor interactor 11; minus strand). Cytogenetic location: 14q32.12.
Variant type: single nucleotide variant.
Coding change: c.2665G>C on transcript NM_004239.4 (MANE Select); coding-DNA position 2665, G replaced by C.
Protein change: p.Asp889His; replaces aspartic acid 889 with histidine.
Molecular consequence: missense variant.
Genome position (GRCh38, 1-based): chr14:92,005,311, C>G on the plus strand (G>C on the coding strand, the complement: TRIP11 is on the minus strand). VCF-style: chr14-92005311-C-G. GRCh37 (hg19) VCF-style: chr14-92471655-C-G.
Other names: c.2662G>C, p.Asp888His (NM_001321851.1); short protein forms D889H, D888H.
Identifiers: ClinVar variation 2110795 (VCV002110795.4), dbSNP rs1403571122, ClinGen allele CA390656526.
Genomic context (GRCh38, chr14:92,005,311, plus strand): 5'-CAAGATGTTCCTTGATCGTGTTCAGTTGAGATACCTCAGATGCTAGTTCAGTAACACTAT[C>G]AAGGGTTTTAGGGTCAGCCACAGGTGCGGTTCGACTCTGCTCTTCCCTGAGTCGTTCCAA-3'
Protein context (NP_004230.2, residues 879-899): TAPVADPKTL[Asp889His]SVTELASEVS